The following is an entry in ClinVar:

NM_015450.3(POT1):c.908C>T (p.Ser303Leu)

Gene: POT1 (protection of telomeres 1; minus strand). Cytogenetic location: 7q31.33.
Variant type: single nucleotide variant.
Coding change: c.908C>T on transcript NM_015450.3 (MANE Select); coding-DNA position 908, C replaced by T.
Protein change: p.Ser303Leu; replaces serine 303 with leucine.
Molecular consequence: missense variant. On other transcripts: non-coding transcript variant (3).
Genome position (GRCh38, 1-based): chr7:124,851,913, G>A on the plus strand (C>T on the coding strand, the complement: POT1 is on the minus strand). VCF-style: chr7-124851913-G-A. GRCh37 (hg19) VCF-style: chr7-124491967-G-A.
Other names: c.515C>T, p.Ser172Leu (NM_001042594.2); short protein forms S172L, S303L.
Identifiers: ClinVar variation 942693 (VCV000942693.12), dbSNP rs1795316757, ClinGen allele CA369054393.
Genomic context (GRCh38, chr7:124,851,913, plus strand): 5'-TGTTAAAGATTATCCTTACTTGGAAAGCTGTCGTCAGGTTCTGATTGACAGATAACATCT[G>A]AATGCTGATTGGCTGTCAAATTTGCAGATTCTAAATCCCTATAATTGAAAGAATACAATT-3'
Protein context (NP_056265.2, residues 293-313): ESANLTANQH[Ser303Leu]DVICQSEPDD

ClinVar aggregate classification (germline): Conflicting classifications of pathogenicity. Review status: criteria provided, conflicting classifications (1 of 4 stars). 2 submissions from 2 submitters: Uncertain significance (1); Likely benign (1). Last evaluated 2025-10-30.

Conditions:
Hereditary cancer-predisposing syndrome. Also called: Neoplastic Syndromes, Hereditary; Tumor predisposition; Hereditary Cancer Syndrome; Hereditary neoplastic syndrome. Identifiers: Orphanet 140162, MedGen C0027672, MeSH D009386, MONDO:0015356.
Tumor predisposition syndrome 3 (TPDS3). Also called: Glioma susceptibility 9; LONG TELOMERE SYNDROME, POT1-RELATED; POT1 Tumor Predisposition; Melanoma, cutaneous malignant, susceptibility to, 10. Identifiers: Orphanet 618, MedGen C4014476, MONDO:0014368, OMIM 615848.

Submissions (2):

Ambry Genetics
Classification: Likely benign for Hereditary cancer-predisposing syndrome. Last evaluated: 2025-10-30. Review status: criteria provided, single submitter. Criteria: Ambry Variant Classification Scheme 2023. Collection method: clinical testing. Allele origin: germline.

Labcorp Genetics (formerly Invitae), Labcorp
Classification: Uncertain significance for Tumor predisposition syndrome 3. Last evaluated: 2019-06-18. Review status: criteria provided, single submitter. Criteria: Invitae Variant Classification Sherloc (09022015). Collection method: clinical testing. Allele origin: germline.
Comment: This sequence change replaces serine with leucine at codon 303 of the POT1 protein (p.Ser303Leu). The serine residue is moderately conserved and there is a large physicochemical difference between serine and leucine. This variant is not present in population databases (ExAC no frequency). This variant has not been reported in the literature in individuals with POT1-related conditions. Algorithms developed to predict the effect of missense changes on protein structure and function output the following: SIFT: "Tolerated"; PolyPhen-2: "Benign"; Align-GVGD: "Class C0". The leucine amino acid residue is found in multiple mammalian species, suggesting that this missense change does not adversely affect protein function. These predictions have not been confirmed by published functional studies and their clinical significance is uncertain. In summary, the available evidence is currently insufficient to determine the role of this variant in disease. Therefore, it has been classified as a Variant of Uncertain Significance.